The following is an entry in ClinVar:

ClinVar aggregate classification (germline): Uncertain significance (1 of 4 stars; one submission).

Conditions:
Inborn genetic diseases. Identifiers: MedGen C0950123, MeSH D030342.

Submission:

Ambry Genetics
Classification: Uncertain significance for Inborn genetic diseases. Last evaluated: 2021-01-27. Review status: criteria provided, single submitter. Criteria: Ambry Variant Classification Scheme 2023. Collection method: clinical testing. Allele origin: germline.
Comment: The c.1574C>G (p.S525C) alteration is located in exon 13 (coding exon 12) of the GPSM2 gene. This alteration results from a C to G substitution at nucleotide position 1574, causing the serine (S) at amino acid position 525 to be replaced by a cysteine (C). The p.S525C alteration is predicted to be tolerated by in silico analysis. Based on insufficient or conflicting evidence, the clinical significance of this alteration remains unclear.

NM_013296.5(GPSM2):c.1574C>G (p.Ser525Cys)

Gene: GPSM2 (G protein signaling modulator 2; plus strand). Cytogenetic location: 1p13.3.
Variant type: single nucleotide variant.
Coding change: c.1574C>G on transcript NM_013296.5 (MANE Select); coding-DNA position 1574, C replaced by G.
Protein change: p.Ser525Cys; replaces serine 525 with cysteine.
Molecular consequence: missense variant.
Genome position (GRCh38, 1-based): chr1:108,922,550, C>G. VCF-style: chr1-108922550-C-G. GRCh37 (hg19) VCF-style: chr1-109465172-C-G.
Other names: c.1574C>G, p.Ser525Cys (NM_001321038.2, NM_001321039.3); short protein forms S525C.
Identifiers: ClinVar variation 2229101 (VCV002229101.2), dbSNP rs2523913209, ClinGen allele CA341450628.
Genomic context (GRCh38, chr1:108,922,550, plus strand): 5'-ATGATCAGAGATGTTGCTTACAAGAAAAGAACTGCCATACAGCTTCAACAACAACTTCTT[C>G]CACTCCCCCTAAAATGATGCTAAAAAGTAAGTCATCTCTGTTTCTCCCCCGATTTTAATA-3'
Protein context (NP_037428.3, residues 515-535): NCHTASTTTS[Ser525Cys]TPPKMMLKTS